The following is an entry in ClinVar:

ClinVar aggregate classification (germline): Uncertain significance (1 of 4 stars; one submission).

Conditions:
Short-rib thoracic dysplasia 11 with or without polydactyly (SRTD11). Also called: SHORT-RIB THORACIC DYSPLASIA 11 WITHOUT POLYDACTYLY. Identifiers: Orphanet 474, Orphanet 93271, MedGen C3810200, MONDO:0014287, OMIM 615633.

Submission:

Labcorp Genetics (formerly Invitae), Labcorp
Classification: Uncertain significance for Short-rib thoracic dysplasia 11 with or without polydactyly. Last evaluated: 2019-11-06. Review status: criteria provided, single submitter. Criteria: Invitae Variant Classification Sherloc (09022015). Collection method: clinical testing. Allele origin: germline.
Comment: This sequence change replaces proline with serine at codon 94 of the WDR34 protein (p.Pro94Ser). The proline residue is moderately conserved and there is a moderate physicochemical difference between proline and serine. This variant is not present in population databases (ExAC no frequency). This variant has not been reported in the literature in individuals with WDR34-related conditions. Algorithms developed to predict the effect of missense changes on protein structure and function (SIFT, PolyPhen-2, Align-GVGD) all suggest that this variant is likely to be tolerated, but these predictions have not been confirmed by published functional studies and their clinical significance is uncertain. In summary, the available evidence is currently insufficient to determine the role of this variant in disease. Therefore, it has been classified as a Variant of Uncertain Significance.

NM_052844.4(DYNC2I2):c.280C>T (p.Pro94Ser)

Gene: DYNC2I2 (dynein 2 intermediate chain 2; minus strand). Cytogenetic location: 9q34.11.
Variant type: single nucleotide variant.
Coding change: c.280C>T on transcript NM_052844.4 (MANE Select); coding-DNA position 280, C replaced by T.
Protein change: p.Pro94Ser; replaces proline 94 with serine.
Molecular consequence: missense variant.
Genome position (GRCh38, 1-based): chr9:128,640,846, G>A on the plus strand (C>T on the coding strand, the complement: DYNC2I2 is on the minus strand). VCF-style: chr9-128640846-G-A. GRCh37 (hg19) VCF-style: chr9-131403125-G-A.
Other names: short protein forms P94S.
Identifiers: ClinVar variation 934202 (VCV000934202.1), dbSNP rs1860501994, ClinGen allele CA375127658.
Genomic context (GRCh38, chr9:128,640,846, plus strand): 5'-TCCGAAGAAAGGCTGCGAGCCTGGGTATGTCATACTGGGACGGGGGCTGCACGCTGACAG[G>A]CACGGGGGCCTCCGTCTGCACCTGGGCGTCCACATGATTCCTGGCCTGGGCGGATGCACT-3'
Protein context (NP_443076.2, residues 84-104): DAQVQTEAPV[Pro94Ser]VSVQPPSQYD